The following is an entry in ClinVar:

NM_001267550.2(TTN):c.7856-75A>G

Gene: TTN (titin; minus strand). Cytogenetic location: 2q31.2.
Variant type: single nucleotide variant.
Coding change: c.7856-75A>G on transcript NM_001267550.2 (MANE Select); 75 bases into the intron before coding-DNA position 7856, A replaced by G.
Molecular consequence: intron variant.
Genome position (GRCh38, 1-based): chr2:178,771,546, T>C on the plus strand (A>G on the coding strand, the complement: TTN is on the minus strand). VCF-style: chr2-178771546-T-C. GRCh37 (hg19) VCF-style: chr2-179636273-T-C.
Other names: c.7856-75A>G (NM_001256850.1, NM_133378.4, NM_133379.5); c.7718-75A>G (NM_003319.4, NM_133437.4, NM_133432.3).
Identifiers: ClinVar variation 675634 (VCV000675634.2), dbSNP rs74655004, ClinGen allele CA61005118.
Genomic context (GRCh38, chr2:178,771,546, plus strand): 5'-ATGTACAGTATGAGTCCTTTAAACATATTCACACAATGGGAAAATCTTTGCAGAAGTAAA[T>C]ATAAAATATCAAATTTAAGAACATGATTTTGAAATCATGAAATGTCTATGATTGTTTTTA-3'

ClinVar aggregate classification (germline): Likely benign. Review status: criteria provided, multiple submitters, no conflicts (2 of 4 stars). 2 submissions from 2 submitters: Likely benign (2). Last evaluated 2018-06-14.

Allele frequency attached by ClinVar (database versions not stated): gnomAD exomes 0.00046; 1000 Genomes Project 0.00419; 1000 Genomes Project 30x 0.00437; gnomAD 0.00504 and 0.00548; TOPMed 0.00567.
gnomAD v4.1: 1,467 of 1,578,124 alleles (0.093%); highest among the groups gnomAD compares: African/African-American, 1.7%; 18 homozygotes.

Submissions (2):

GeneDx
Classification: Likely benign. Last evaluated: 2018-06-14. Review status: criteria provided, single submitter. Criteria: GeneDx Variant Classification (06012015). Collection method: clinical testing. Allele origin: germline. Affected: yes.
Comment: This variant is considered likely benign or benign based on one or more of the following criteria: it is a conservative change, it occurs at a poorly conserved position in the protein, it is predicted to be benign by multiple in silico algorithms, and/or has population frequency not consistent with disease.

Breakthrough Genomics
Classification: Likely benign. Review status: criteria provided, single submitter. Criteria: ACMG Guidelines, 2015. Collection method: not provided. Allele origin: germline. Inheritance: Autosomal recessive inheritance. Affected: yes.